The following is an entry in ClinVar:

NM_000070.3(CAPN3):c.602G>C (p.Trp201Ser)

Gene: CAPN3 (calpain 3; plus strand). Cytogenetic location: 15q15.1.
Variant type: single nucleotide variant.
Coding change: c.602G>C on transcript NM_000070.3 (MANE Select); coding-DNA position 602, G replaced by C.
Protein change: p.Trp201Ser; replaces tryptophan 201 with serine.
Molecular consequence: missense variant.
Genome position (GRCh38, 1-based): chr15:42,387,856, G>C. VCF-style: chr15-42387856-G-C. GRCh37 (hg19) VCF-style: chr15-42680054-G-C.
Other names: c.602G>C, p.Trp201Ser (NM_024344.2, NM_173087.2); c.341G>C, p.Trp114Ser (NM_212464.2); c.*295G>C (NM_212467.2); short protein forms W114S, W201S.
Identifiers: ClinVar variation 2014890 (VCV002014890.4), dbSNP rs2548258108, ClinGen allele CA391997964.

ClinVar aggregate classification (germline): Uncertain significance (1 of 4 stars; one submission).

Conditions:
Autosomal recessive limb-girdle muscular dystrophy type 2A (LGMDR1). Also called: Muscular dystrophy, limb-girdle, type 2A, Amish; LEYDEN-MOEBIUS MUSCULAR DYSTROPHY; MUSCULAR DYSTROPHY, PELVOFEMORAL; Limb-girdle muscular dystrophy, type 2A; Calpainopathy. Identifiers: Orphanet 267, MedGen C1869123, MONDO:0009675, OMIM 253600. Disease mechanism: loss of function.

Submission:

Labcorp Genetics (formerly Invitae), Labcorp
Classification: Uncertain significance for Autosomal recessive limb-girdle muscular dystrophy type 2A. Last evaluated: 2022-07-07. Review status: criteria provided, single submitter. Criteria: Invitae Variant Classification Sherloc (09022015). Collection method: clinical testing. Allele origin: germline.
Comment: In summary, the available evidence is currently insufficient to determine the role of this variant in disease. Therefore, it has been classified as a Variant of Uncertain Significance. Advanced modeling of protein sequence and biophysical properties (such as structural, functional, and spatial information, amino acid conservation, physicochemical variation, residue mobility, and thermodynamic stability) performed at Invitae indicates that this missense variant is expected to disrupt CAPN3 protein function. This variant has not been reported in the literature in individuals affected with CAPN3-related conditions. This variant is not present in population databases (gnomAD no frequency). This sequence change replaces tryptophan, which is neutral and slightly polar, with serine, which is neutral and polar, at codon 201 of the CAPN3 protein (p.Trp201Ser).